The following is an entry in ClinVar:

NM_000268.4(NF2):c.1763G>C (p.Arg588Pro)

Gene: NF2 (NF2, moesin-ezrin-radixin like (MERLIN) tumor suppressor; plus strand). Cytogenetic location: 22q12.2.
Variant type: single nucleotide variant.
Coding change: c.1763G>C on transcript NM_000268.4 (MANE Select); coding-DNA position 1763, G replaced by C.
Protein change: p.Arg588Pro; replaces arginine 588 with proline.
Molecular consequence: missense variant. On other transcripts: 3 prime UTR variant (11), non-coding transcript variant (1).
Genome position (GRCh38, 1-based): chr22:29,694,777, G>C. VCF-style: chr22-29694777-G-C. GRCh37 (hg19) VCF-style: chr22-30090766-G-C.
Other names: c.1649G>C, p.Arg550Pro (NM_001407053.1); c.1640G>C, p.Arg547Pro (NM_001407054.1); c.1637G>C, p.Arg546Pro (NM_001407055.1); c.*35G>C (NM_001407056.1, NM_001407059.1, NM_001407065.1 and 5 more transcripts); c.1628G>C, p.Arg543Pro (NM_001407057.1); c.*50G>C (NM_001407058.1, NM_001407063.1, NM_181832.3); c.1600G>C, p.Glu534Gln (NM_001407060.1); c.1505G>C, p.Arg502Pro (NM_001407062.1); and 2 more; short protein forms E451Q, E534Q, R543P, R550P, R502P, R546P, R547P, R588P.
Identifiers: ClinVar variation 3650756 (VCV003650756.2).

ClinVar aggregate classification (germline): Uncertain significance (1 of 4 stars; one submission).

Conditions:
Neurofibromatosis, type 2 (SWNV). Also called: BILATERAL ACOUSTIC NEUROFIBROMATOSIS; SCHWANNOMATOSIS, VESTIBULAR; NF2-Related Schwannomatosis. Identifiers: Orphanet 637, MedGen C0027832, MONDO:0007039, OMIM 101000. Disease mechanism: loss of function.

Submission:

Labcorp Genetics (formerly Invitae), Labcorp
Classification: Uncertain significance for Neurofibromatosis, type 2. Last evaluated: 2024-04-24. Review status: criteria provided, single submitter. Criteria: Invitae Variant Classification Sherloc (09022015). Collection method: clinical testing. Allele origin: germline.
Comment: This sequence change replaces arginine, which is basic and polar, with proline, which is neutral and non-polar, at codon 588 of the NF2 protein (p.Arg588Pro). This variant is not present in population databases (gnomAD no frequency). This variant has not been reported in the literature in individuals affected with NF2-related conditions. Advanced modeling of protein sequence and biophysical properties (such as structural, functional, and spatial information, amino acid conservation, physicochemical variation, residue mobility, and thermodynamic stability) performed at Invitae indicates that this missense variant is expected to disrupt NF2 protein function with a positive predictive value of 80%. In summary, the available evidence is currently insufficient to determine the role of this variant in disease. Therefore, it has been classified as a Variant of Uncertain Significance.